The following is an entry in ClinVar:

NM_002875.5(RAD51):c.320A>C (p.Lys107Thr)

Gene: RAD51 (RAD51 recombinase; plus strand). Cytogenetic location: 15q15.1.
Variant type: single nucleotide variant.
Coding change: c.320A>C on transcript NM_002875.5 (MANE Select); coding-DNA position 320, A replaced by C.
Protein change: p.Lys107Thr; replaces lysine 107 with threonine.
Molecular consequence: missense variant. On other transcripts: intron variant (2).
Genome position (GRCh38, 1-based): chr15:40,706,271, A>C. VCF-style: chr15-40706271-A-C. GRCh37 (hg19) VCF-style: chr15-40998469-A-C.
Other names: c.320A>C, p.Lys107Thr (NM_001164270.2); c.347-2754A>C (NM_133487.4, NM_001164269.2); short protein forms K107T.
Identifiers: ClinVar variation 2450855 (VCV002450855.2), dbSNP rs1250316987, ClinGen allele CA391749921.

ClinVar aggregate classification (germline): Uncertain significance (1 of 4 stars; one submission).

Conditions:
Inborn genetic diseases. Identifiers: MedGen C0950123, MeSH D030342.

gnomAD v4.1: 1 of 1,612,948 alleles (0.000062%); no homozygotes.

Submission:

Ambry Genetics
Classification: Uncertain significance for Inborn genetic diseases. Last evaluated: 2023-02-03. Review status: criteria provided, single submitter. Criteria: Ambry Variant Classification Scheme 2023. Collection method: clinical testing. Allele origin: germline.
Comment: The p.K107T variant (also known as c.320A>C), located in coding exon 3 of the RAD51 gene, results from an A to C substitution at nucleotide position 320. The lysine at codon 107 is replaced by threonine, an amino acid with similar properties. This amino acid position is conserved. In addition, the in silico prediction for this alteration is inconclusive. Since supporting evidence is limited at this time, the clinical significance of this alteration remains unclear.